The following is an entry in ClinVar:

ClinVar aggregate classification (germline): Uncertain significance. Review status: criteria provided, multiple submitters, no conflicts (2 of 4 stars). 2 submissions from 2 submitters: Uncertain significance (2). Last evaluated 2025-11-10.

Conditions:
Colorectal cancer, hereditary nonpolyposis, type 7. Identifiers: Orphanet 144, MedGen C1858380, MONDO:0013725, OMIM 614385.

gnomAD v4.1: 1 of 1,614,090 alleles (0.000062%); highest among the groups gnomAD compares: East Asian, 0.0022%; no homozygotes.

Submissions (2):

Labcorp Genetics (formerly Invitae), Labcorp
Classification: Uncertain significance for Colorectal cancer, hereditary nonpolyposis, type 7. Last evaluated: 2025-11-10. Review status: criteria provided, single submitter. Criteria: Invitae Variant Classification Sherloc (09022015). Collection method: clinical testing. Allele origin: germline.
Comment: This sequence change replaces glycine, which is neutral and non-polar, with glutamic acid, which is acidic and polar, at codon 752 of the MLH3 protein (p.Gly752Glu). This variant is present in population databases (no rsID available, gnomAD 0.01%). This variant has not been reported in the literature in individuals affected with MLH3-related conditions. ClinVar contains an entry for this variant (Variation ID: 1788510). An algorithm developed to predict the effect of missense changes on protein structure and function (PolyPhen-2) suggests that this variant is likely to be disruptive. In summary, the available evidence is currently insufficient to determine the role of this variant in disease. Therefore, it has been classified as a Variant of Uncertain Significance.

Ambry Genetics
Classification: Uncertain significance. Last evaluated: 2024-11-15. Review status: criteria provided, single submitter. Criteria: Ambry Variant Classification Scheme 2023. Collection method: clinical testing. Allele origin: germline.
Comment: The p.G752E variant (also known as c.2255G>A), located in coding exon 1 of the MLH3 gene, results from a G to A substitution at nucleotide position 2255. The glycine at codon 752 is replaced by glutamic acid, an amino acid with similar properties. This amino acid position is conserved. In addition, this alteration is predicted to be tolerated by in silico analysis. Since supporting evidence is limited at this time, the clinical significance of this alteration remains unclear.

NM_001040108.2(MLH3):c.2255G>A (p.Gly752Glu)

Gene: MLH3 (mutL homolog 3; minus strand). Cytogenetic location: 14q24.3.
Variant type: single nucleotide variant.
Coding change: c.2255G>A on transcript NM_001040108.2 (MANE Select); coding-DNA position 2255, G replaced by A.
Protein change: p.Gly752Glu; replaces glycine 752 with glutamic acid.
Molecular consequence: missense variant.
Genome position (GRCh38, 1-based): chr14:75,047,401, C>T on the plus strand (G>A on the coding strand, the complement: MLH3 is on the minus strand). VCF-style: chr14-75047401-C-T. GRCh37 (hg19) VCF-style: chr14-75514104-C-T.
Other names: c.2255G>A, p.Gly752Glu (NM_014381.3); short protein forms G752E.
Identifiers: ClinVar variation 1788510 (VCV001788510.4), dbSNP rs944842929, ClinGen allele CA263648446.